The following is an entry in ClinVar:

ClinVar aggregate classification (germline): Uncertain significance (1 of 4 stars; one submission).

Conditions:
Short stature-brachydactyly-obesity-global developmental delay syndrome. Also called: SHORT STATURE, BRACHYDACTYLY, IMPAIRED INTELLECTUAL DEVELOPMENT, AND SEIZURES; Short stature, brachydactyly, intellectual developmental disability, and seizures. Identifiers: Orphanet 464288, MedGen C4310689, MONDO:0014944, OMIM 617157.

gnomAD v4.1: 1 of 1,549,190 alleles (0.000065%); highest among the groups gnomAD compares: East Asian, 0.0023%; no homozygotes.

Submission:

Juno Genomics, Hangzhou Juno Genomics, Inc
Classification: Uncertain significance for Short stature-brachydactyly-obesity-global developmental delay syndrome. Review status: criteria provided, single submitter. Criteria: ACMG Guidelines, 2015. Collection method: clinical testing. Allele origin: germline.
Comment: Absent from controls (or at extremely low frequency if recessive) in Genome Aggregation Database.;Multiple lines of computational evidence support a deleterious effect on the gene or gene product.

NM_019023.5(PRMT7):c.1575+48G>A

Gene: PRMT7 (protein arginine methyltransferase 7; plus strand). Cytogenetic location: 16q22.1.
Variant type: single nucleotide variant.
Coding change: c.1575+48G>A on transcript NM_019023.5 (MANE Select); 48 bases into the intron after coding-DNA position 1575, G replaced by A.
Molecular consequence: intron variant.
Genome position (GRCh38, 1-based): chr16:68,352,457, G>A. VCF-style: chr16-68352457-G-A. GRCh37 (hg19) VCF-style: chr16-68386360-G-A.
Other names: c.1338+48G>A (NM_001378022.1, NM_001378021.1, NM_001378023.1); c.1575+48G>A (NM_001351143.3, NM_001378018.1, NM_001290018.2); c.1481+142G>A (NM_001351144.3); c.1425+48G>A (NM_001184824.4); c.1368+48G>A (NM_001378020.1).
Identifiers: ClinVar variation 5005617 (VCV005005617.2).